The following is an entry in ClinVar:

ClinVar aggregate classification (germline): Uncertain significance (1 of 4 stars; one submission).

Conditions:
Familial cold autoinflammatory syndrome 3 (FCAS3). Also called: ANTIBODY DEFICIENCY AND IMMUNE DYSREGULATION, PLCG2-ASSOCIATED; FAMILIAL ATYPICAL COLD URTICARIA. Identifiers: Orphanet 300359, MedGen C3280914, MONDO:0013766, OMIM 614468.

Allele frequency attached by ClinVar (database versions not stated): gnomAD exomes 0.00003; ExAC 0.00004; TOPMed 0.00007; gnomAD 0.00010; 1000 Genomes Project 30x 0.00016; ESP Exome Variant Server 0.00016; 1000 Genomes Project 0.00020.
gnomAD v4.1: 28 of 1,584,532 alleles (0.0018%); highest among the groups gnomAD compares: African/African-American, 0.024%; no homozygotes.

Submission:

Labcorp Genetics (formerly Invitae), Labcorp
Classification: Uncertain significance for Familial cold autoinflammatory syndrome 3. Last evaluated: 2026-01-27. Review status: criteria provided, single submitter. Criteria: Invitae Variant Classification Sherloc (09022015). Collection method: clinical testing. Allele origin: germline.
Comment: This sequence change falls in intron 24 of the PLCG2 gene. It does not directly change the encoded amino acid sequence of the PLCG2 protein. It affects a nucleotide within the consensus splice site. This variant is present in population databases (rs374905431, gnomAD 0.03%). This variant has not been reported in the literature in individuals affected with PLCG2-related conditions. ClinVar contains an entry for this variant (Variation ID: 642596). Variants that disrupt the consensus splice site are a relatively common cause of aberrant splicing (PMID: 17576681, 9536098). Algorithms developed to predict the effect of sequence changes on RNA splicing suggest that this variant is not likely to affect RNA splicing. In summary, the available evidence is currently insufficient to determine the role of this variant in disease. Therefore, it has been classified as a Variant of Uncertain Significance.

Literature cited by the submitters: PubMed 17576681; PubMed 9536098.

NM_002661.5(PLCG2):c.2581+4C>T

Gene: PLCG2 (phospholipase C gamma 2; plus strand). Cytogenetic location: 16q23.3.
Variant type: single nucleotide variant.
Coding change: c.2581+4C>T on transcript NM_002661.5 (MANE Select); 4 bases into the intron after coding-DNA position 2581, C replaced by T.
Molecular consequence: intron variant.
Genome position (GRCh38, 1-based): chr16:81,928,628, C>T. VCF-style: chr16-81928628-C-T. GRCh37 (hg19) VCF-style: chr16-81962233-C-T.
Identifiers: ClinVar variation 642596 (VCV000642596.9), dbSNP rs374905431, ClinGen allele CA8194348.